The following is an entry in ClinVar:

ClinVar aggregate classification (germline): Likely pathogenic (1 of 4 stars; one submission).

Submission:

GeneDx
Classification: Likely pathogenic. Last evaluated: 2024-05-12. Review status: criteria provided, single submitter. Criteria: GeneDx Variant Classification Process June 2021. Collection method: clinical testing. Allele origin: germline. Affected: yes.
Comment: Not observed at significant frequency in large population cohorts (gnomAD); In silico analysis supports that this missense variant has a deleterious effect on protein structure/function; This variant is associated with the following publications: (PMID: 21139634, 26094131, 31157359)

NM_014946.4(SPAST):c.1072G>T (p.Val358Phe)

Gene: SPAST (spastin; plus strand). Cytogenetic location: 2p22.3.
Variant type: single nucleotide variant.
Coding change: c.1072G>T on transcript NM_014946.4 (MANE Select); coding-DNA position 1072, G replaced by T.
Protein change: p.Val358Phe; replaces valine 358 with phenylalanine.
Molecular consequence: missense variant.
Genome position (GRCh38, 1-based): chr2:32,116,186, G>T. VCF-style: chr2-32116186-G-T. GRCh37 (hg19) VCF-style: chr2-32341255-G-T.
Other names: c.1069G>T, p.Val357Phe (NM_001363823.2); c.973G>T, p.Val325Phe (NM_001363875.2); c.976G>T, p.Val326Phe (NM_001377959.1, NM_199436.2); short protein forms V325F, V326F, V357F, V358F.
Identifiers: ClinVar variation 3378020 (VCV003378020.1).
Genomic context (GRCh38, chr2:32,116,186, plus strand): 5'-GCTGTTAAATTTGATGATATAGCTGGTCAAGACTTGGCAAAACAAGCATTGCAAGAAATT[G>T]TTATTCTTCCTTCTCTGAGGCCTGAGGTAAGAACTTTATATTATCATTTTTCTATAATAC-3'
Protein context (NP_055761.2, residues 348-368): DLAKQALQEI[Val358Phe]ILPSLRPELF